The following is an entry in ClinVar:

NM_138387.4(G6PC3):c.224T>C (p.Leu75Pro)

Gene: G6PC3 (glucose-6-phosphatase catalytic subunit 3; plus strand). Cytogenetic location: 17q21.31.
Variant type: single nucleotide variant.
Coding change: c.224T>C on transcript NM_138387.4 (MANE Select); coding-DNA position 224, T replaced by C.
Protein change: p.Leu75Pro; replaces leucine 75 with proline.
Molecular consequence: missense variant. On other transcripts: 5 prime UTR variant (4).
Genome position (GRCh38, 1-based): chr17:44,074,165, T>C. VCF-style: chr17-44074165-T-C. GRCh37 (hg19) VCF-style: chr17-42151533-T-C.
Other names: c.224T>C, p.Leu75Pro (NM_001319945.2); c.-122T>C (NM_001384165.1, NM_001384166.1, NM_001384167.1 and 1 more transcripts); short protein forms L75P.
Identifiers: ClinVar variation 1396574 (VCV001396574.6), dbSNP rs2144145534, ClinGen allele CA399725524.
Genomic context (GRCh38, chr17:44,074,165, plus strand): 5'-CCCCCCCTGGCTGTGTGTGCATGTGGAAAGTCATCTTGCATCTGTTCTCTTCCAGGTTTC[T>C]TTTTGGAGACAGGCCCTTTTGGTGGGTCCATGAGTCTGGTTACTACAGCCAGGCTCCAGC-3'
Protein context (NP_612396.1, residues 65-85): EWLNLIFKWF[Leu75Pro]FGDRPFWWVH

ClinVar aggregate classification (germline): Uncertain significance (1 of 4 stars; one submission).

Conditions:
Autosomal recessive severe congenital neutropenia due to G6PC3 deficiency. Also called: G6PC3 Deficiency; NEUTROPENIA, SEVERE CONGENITAL, 4, AUTOSOMAL RECESSIVE. Identifiers: Orphanet 331176, MedGen C2751630, MONDO:0012930, OMIM 612541.

Submission:

Labcorp Genetics (formerly Invitae), Labcorp
Classification: Uncertain significance for Autosomal recessive severe congenital neutropenia due to G6PC3 deficiency. Last evaluated: 2024-10-16. Review status: criteria provided, single submitter. Criteria: Invitae Variant Classification Sherloc (09022015). Collection method: clinical testing. Allele origin: germline.
Comment: This sequence change replaces leucine, which is neutral and non-polar, with proline, which is neutral and non-polar, at codon 75 of the G6PC3 protein (p.Leu75Pro). This variant is not present in population databases (gnomAD no frequency). This variant has not been reported in the literature in individuals affected with G6PC3-related conditions. ClinVar contains an entry for this variant (Variation ID: 1396574). Invitae Evidence Modeling of protein sequence and biophysical properties (such as structural, functional, and spatial information, amino acid conservation, physicochemical variation, residue mobility, and thermodynamic stability) indicates that this missense variant is expected to disrupt G6PC3 protein function with a positive predictive value of 95%. In summary, the available evidence is currently insufficient to determine the role of this variant in disease. Therefore, it has been classified as a Variant of Uncertain Significance.